The following is an entry in ClinVar:

ClinVar aggregate classification (germline): Uncertain significance. Review status: criteria provided, multiple submitters, no conflicts (2 of 4 stars). 3 submissions from 3 submitters: Uncertain significance (2). 1 of the submissions does not count toward it. Last evaluated 2023-11-09.

Conditions:
Leber congenital amaurosis 1 (LCA1). Also called: Congenital absence of the rods and cones; Leber's congenital tapetoretinal degeneration; Leber's congenital tapetoretinal dysplasia; RETINAL BLINDNESS, CONGENITAL; AMAUROSIS CONGENITA OF LEBER I. Identifiers: Orphanet 65, MedGen C2931258, MONDO:0008764, OMIM 204000.
Cone-rod dystrophy 6 (CORD6). Also called: RETINAL CONE DYSTROPHY 2; Cone dystrophy progressive. Identifiers: Orphanet 1872, MedGen C1866293, MONDO:0011143, OMIM 601777.

Allele frequency attached by ClinVar (database versions not stated): gnomAD exomes below 0.00001 and 0.00001; TOPMed below 0.00001; ExAC 0.00001; gnomAD 0.00001; 1000 Genomes Project 30x 0.00031.
gnomAD v4.1: 10 of 1,598,788 alleles (0.00063%); highest among the groups gnomAD compares: South Asian, 0.011%; no homozygotes.

Submissions (3):

Blueprint Genetics
Classification: Uncertain significance. Last evaluated: 2023-11-09. Review status: criteria provided, single submitter. Criteria: ACMG Guidelines, 2015. Collection method: clinical testing. Allele origin: germline.

Labcorp Genetics (formerly Invitae), Labcorp
Classification: Uncertain significance for Leber congenital amaurosis 1; Cone-rod dystrophy 6. Last evaluated: 2022-03-28. Review status: criteria provided, single submitter. Criteria: Invitae Variant Classification Sherloc (09022015). Collection method: clinical testing. Allele origin: germline.
Comment: This sequence change replaces arginine, which is basic and polar, with serine, which is neutral and polar, at codon 231 of the GUCY2D protein (p.Arg231Ser). This variant is present in population databases (rs759280279, gnomAD 0.003%). This variant has not been reported in the literature in individuals affected with GUCY2D-related conditions. ClinVar contains an entry for this variant (Variation ID: 1049389). Algorithms developed to predict the effect of missense changes on protein structure and function (SIFT, PolyPhen-2, Align-GVGD) all suggest that this variant is likely to be tolerated. Algorithms developed to predict the effect of sequence changes on RNA splicing suggest that this variant may disrupt the consensus splice site. In summary, the available evidence is currently insufficient to determine the role of this variant in disease. Therefore, it has been classified as a Variant of Uncertain Significance.

Department of Pathology and Laboratory Medicine, Sinai Health System
Classification: Uncertain significance. Review status: no assertion criteria provided. Collection method: clinical testing. Allele origin: unknown. Affected: yes. Study: The Canadian Open Genetics Repository (COGR). Not counted in ClinVar's aggregate classification.
Comment: The GUCY2D p.Arg231Ser variant was not identified in the literature nor was it identified in the ClinVar, Cosmic, MutDB or LOVD 3.0 databases. The variant was identified in dbSNP (ID: rs759280279) and in control databases in 1 of 226088 chromosomes at a frequency of 0.000004 (Genome Aggregation Database Feb 27, 2017). The variant was observed in the following population: South Asian in 1 of 30284 chromosomes (freq: 0.000033), but not observed in the African, Latino, Ashkenazi Jewish, East Asian, European (Finnish), European (non-Finnish) and other populations. The p.Arg231 residue is not conserved in mammals and four out of five computational analyses (PolyPhen-2, SIFT, AlignGVGD, MutationTaster) do not suggest a high likelihood of impact to the protein; however, this information is not predictive enough to rule out pathogenicity. In summary, based on the above information the clinical significance of this variant cannot be determined with certainty at this time. This variant is classified as a variant of uncertain significance.

NM_000180.4(GUCY2D):c.693G>T (p.Arg231Ser)

Gene: GUCY2D (guanylate cyclase 2D, retinal; plus strand). Cytogenetic location: 17p13.1.
Variant type: single nucleotide variant.
Coding change: c.693G>T on transcript NM_000180.4 (MANE Select); coding-DNA position 693, G replaced by T.
Protein change: p.Arg231Ser; replaces arginine 231 with serine.
Molecular consequence: missense variant.
Genome position (GRCh38, 1-based): chr17:8,003,740, G>T. VCF-style: chr17-8003740-G-T. GRCh37 (hg19) VCF-style: chr17-7907058-G-T.
Other names: short protein forms R231S.
Identifiers: ClinVar variation 1049389 (VCV001049389.4), dbSNP rs759280279, ClinGen allele CA8365535.